The following is an entry in ClinVar:

ClinVar aggregate classification (germline): Uncertain significance. Review status: criteria provided, multiple submitters, no conflicts (2 of 4 stars). 2 submissions from 2 submitters: Uncertain significance (2). Last evaluated 2024-04-29.

Conditions:
Hereditary cancer-predisposing syndrome. Also called: Hereditary neoplastic syndrome; Neoplastic Syndromes, Hereditary; Tumor predisposition; Hereditary Cancer Syndrome. Identifiers: Orphanet 140162, MedGen C0027672, MeSH D009386, MONDO:0015356.
Microcephaly, normal intelligence and immunodeficiency (NBS). Also called: IMMUNODEFICIENCY, MICROCEPHALY, AND CHROMOSOMAL INSTABILITY; SEEMANOVA SYNDROME II; Nijmegen breakage syndrome; Microcephaly with normal intelligence immunodeficiency and lymphoreticular malignancies; Nonsyndromal microcephaly autosomal recessive with normal intelligence; Seemanova syndrome 2. Identifiers: Orphanet 647, MedGen C0398791, MONDO:0009623, OMIM 251260.

Submissions (2):

Labcorp Genetics (formerly Invitae), Labcorp
Classification: Uncertain significance for Microcephaly, normal intelligence and immunodeficiency. Last evaluated: 2024-04-29. Review status: criteria provided, single submitter. Criteria: Invitae Variant Classification Sherloc (09022015). Collection method: clinical testing. Allele origin: germline.
Comment: This sequence change replaces valine, which is neutral and non-polar, with leucine, which is neutral and non-polar, at codon 663 of the NBN protein (p.Val663Leu). This variant is not present in population databases (gnomAD no frequency). This variant has not been reported in the literature in individuals affected with NBN-related conditions. ClinVar contains an entry for this variant (Variation ID: 461533). An algorithm developed to predict the effect of missense changes on protein structure and function (PolyPhen-2) suggests that this variant is likely to be disruptive. In summary, the available evidence is currently insufficient to determine the role of this variant in disease. Therefore, it has been classified as a Variant of Uncertain Significance.

Ambry Genetics
Classification: Uncertain significance for Hereditary cancer-predisposing syndrome. Last evaluated: 2024-01-17. Review status: criteria provided, single submitter. Criteria: Ambry Variant Classification Scheme 2023. Collection method: clinical testing. Allele origin: germline.
Comment: The p.V663L variant (also known as c.1987G>C), located in coding exon 13 of the NBN gene, results from a G to C substitution at nucleotide position 1987. The valine at codon 663 is replaced by leucine, an amino acid with highly similar properties. This amino acid position is conserved. In addition, the in silico prediction for this alteration is inconclusive. Based on the available evidence, the clinical significance of this alteration remains unclear.

NM_002485.5(NBN):c.1987G>C (p.Val663Leu)

Gene: NBN (nibrin; minus strand). Cytogenetic location: 8q21.3.
Variant type: single nucleotide variant.
Coding change: c.1987G>C on transcript NM_002485.5 (MANE Select); coding-DNA position 1987, G replaced by C.
Protein change: p.Val663Leu; replaces valine 663 with leucine.
Molecular consequence: missense variant.
Genome position (GRCh38, 1-based): chr8:89,946,223, C>G on the plus strand (G>C on the coding strand, the complement: NBN is on the minus strand). VCF-style: chr8-89946223-C-G. GRCh37 (hg19) VCF-style: chr8-90958451-C-G.
Other names: c.1741G>C, p.Val581Leu (NM_001024688.3); short protein forms V663L, V581L.
Identifiers: ClinVar variation 461533 (VCV000461533.9), dbSNP rs1554556547, ClinGen allele CA371676495.